The following is an entry in ClinVar:

ClinVar aggregate classification (germline): Likely benign (1 of 4 stars; one submission).

Allele frequency attached by ClinVar (database versions not stated): 1000 Genomes Project 30x 0.00203; 1000 Genomes Project 0.00220.
gnomAD v4.1: 1,255 of 1,537,744 alleles (0.082%); highest among the groups gnomAD compares: South Asian, 0.84%; 16 homozygotes.

Submission:

CeGaT Center for Human Genetics Tuebingen
Classification: Likely benign. Last evaluated: 2024-07-01. Review status: criteria provided, single submitter. Criteria: CeGaT Center For Human Genetics Tuebingen Variant Classification Criteria Version 2. Collection method: clinical testing. Allele origin: germline. Affected: yes. Observed: 2 variant alleles.
Comment: MUC12: BP4, BP7

NM_001164462.2(MUC12):c.1899A>T (p.Thr633=)

Gene: MUC12 (mucin 12, cell surface associated; plus strand). Cytogenetic location: 7q22.1.
Variant type: single nucleotide variant.
Coding change: c.1899A>T on transcript NM_001164462.2 (MANE Select); coding-DNA position 1899, A replaced by T.
Protein change: p.Thr633=; no amino-acid change (threonine 633 retained).
Molecular consequence: synonymous variant.
Genome position (GRCh38, 1-based): chr7:100,992,462, A>T. VCF-style: chr7-100992462-A-T. GRCh37 (hg19) VCF-style: chr7-100635743-A-T.
Identifiers: ClinVar variation 2657801 (VCV002657801.24), dbSNP rs200421275, ClinGen allele CA4399197.